The following is an entry in ClinVar:

ClinVar aggregate classification (germline): Benign (1 of 4 stars; one submission).

Conditions:
Amyotrophic neuralgia (HNA). Also called: AMYOTROPHY, HEREDITARY NEURALGIC; Hereditary Brachial Plexus Neuropathy; Neuritis with Brachial Predilection; AMYOTROPHY, HEREDITARY NEURALGIC, WITH PREDILECTION FOR BRACHIAL PLEXUS. Identifiers: Orphanet 2901, MedGen C1834304, MONDO:0008076, OMIM 162100.

Allele frequency attached by ClinVar (database versions not stated): gnomAD exomes 0.00219; gnomAD 0.01649 and 0.01764; 1000 Genomes Project 0.01677; 1000 Genomes Project 30x 0.01733; TOPMed 0.01844.
gnomAD v4.1: 3,139 of 439,700 alleles (0.71%); highest among the groups gnomAD compares: African/African-American, 5.7%; 88 homozygotes.

Submission:

Illumina Laboratory Services, Illumina
Classification: Benign for Amyotrophy, hereditary neuralgic. Last evaluated: 2017-04-27. Review status: criteria provided, single submitter. Criteria: ICSL Variant Classification Criteria 13 December 2019. Collection method: clinical testing. Allele origin: germline.
Comment: This variant was observed as part of a predisposition screen in an ostensibly healthy population. A literature search was performed for the gene, cDNA change, and amino acid change (where applicable). No publications were found based on this search. Allele frequency data from public databases was too high to be consistent with this variant causing disease. Therefore, this variant is classified as benign.

NM_001113491.2(SEPTIN9):c.*939A>G

Gene: SEPTIN9 (septin 9; plus strand). Cytogenetic location: 17q25.3.
Variant type: single nucleotide variant.
Coding change: c.*939A>G on transcript NM_001113491.2 (MANE Select); 939 bases downstream of the stop codon, A replaced by G.
Molecular consequence: 3 prime UTR variant.
Genome position (GRCh38, 1-based): chr17:77,499,597, A>G. VCF-style: chr17-77499597-A-G. GRCh37 (hg19) VCF-style: chr17-75495679-A-G.
Other names: c.*939A>G (NM_001113492.2, NM_001113493.2, NM_001113494.1 and 7 more transcripts).
Identifiers: ClinVar variation 325603 (VCV000325603.5), dbSNP rs74779723, ClinGen allele CA10650322.